The following is an entry in ClinVar:

NM_000492.4(CFTR):c.2502T>G (p.Phe834Leu)

Gene: CFTR (CF transmembrane conductance regulator; plus strand). Cytogenetic location: 7q31.2.
Variant type: single nucleotide variant.
Coding change: c.2502T>G on transcript NM_000492.4 (MANE Select); coding-DNA position 2502, T replaced by G.
Protein change: p.Phe834Leu; replaces phenylalanine 834 with leucine.
Molecular consequence: missense variant.
Genome position (GRCh38, 1-based): chr7:117,594,941, T>G. VCF-style: chr7-117594941-T-G. GRCh37 (hg19) VCF-style: chr7-117234995-T-G.
Other names: short protein forms F834L.
Identifiers: ClinVar variation 455769 (VCV000455769.65), dbSNP rs200735475, ClinGen allele CA4451214.
Genomic context (GRCh38, chr7:117,594,941, plus strand): 5'-GCATGAAACTGTACTGTCTTATTGTAATAGCCATAATTCTTTTATTCAGGAGTGCTTTTT[T>G]GATGATATGGAGAGCATACCAGCAGTGACTACATGGAACACATACCTTCGATATATTACT-3'
Protein context (NP_000483.3, residues 824-844): INEEDLKECF[Phe834Leu]DDMESIPAVT

ClinVar aggregate classification (germline): Uncertain significance. Review status: criteria provided, multiple submitters, no conflicts (2 of 4 stars). 15 submissions from 15 submitters: Uncertain significance (10). 5 of the submissions do not count toward it. Last evaluated 2026-03-09.

Conditions:
Cystic fibrosis (CF). Also called: MUCOVISCIDOSIS. Identifiers: Orphanet 586, MedGen C0010674, MONDO:0009061, OMIM 219700. Disease mechanism: loss of function.
CFTR-related disorder (CFTR-RD). Also called: CFTR-related disorders; CFTR-related condition. Identifiers: MedGen C5924204, MONDO:7770004.

Allele frequency attached by ClinVar (database versions not stated): ESP Exome Variant Server 0.00008; TOPMed 0.00008; gnomAD 0.00016 and 0.00017; gnomAD exomes 0.00023 and 0.00029; ExAC 0.00026; 1000 Genomes Project 30x 0.00031; 1000 Genomes Project 0.00040.
gnomAD v4.1: 357 of 1,613,160 alleles (0.022%); highest among the groups gnomAD compares: South Asian, 0.071%; 1 homozygote.

Submissions (15):

Women's Health and Genetics/Laboratory Corporation of America, LabCorp
Classification: Uncertain significance. Last evaluated: 2026-03-09. Review status: criteria provided, single submitter. Criteria: LabCorp Variant Classification Summary - May 2015. Collection method: clinical testing. Allele origin: germline.
Comment: Variant summary: CFTR c.2502T>G (p.Phe834Leu) results in a non-conservative amino acid change located in the CFTR regulator domain (IPR025837) of the encoded protein sequence. Algorithms developed to predict the effect of missense changes on protein structure and function are either unavailable or do not agree on the potential impact of this missense change. The variant allele was found at a frequency of 0.00026 in 396094 control chromosomes in the gnomAD database (v2.1 and v3 genomes dataset), and this frequency is not higher than estimated for a pathogenic variant in CFTR causing Cystic Fibrosis (0.013). However, the variant was found in the Finnish subpopulation at a frequency of 0.0014, and several studies reported that the incidence of Cystic Fibrosis in Finland is almost tenfold lower than in most other European populations (PMID: 16051530, 2570015, 11813900). These data therefore might suggest a benign role for this variant. The variant, c.2502T>G, has been reported in the literature to be found in cohorts of individuals diagnosed with Cystic Fibrosis (Godoy_2011, Soltysova_2017, Bozdogan_2021), and in patients affected with chronic pancreatitis (Keiles_2006), however without strong evidence of causality. These reports therefore do not provide unequivocal conclusions about association of the variant with Cystic Fibrosis. To our knowledge, no experimental evidence demonstrating an impact on protein function has been reported. The following publications have been ascertained in the context of this evaluation (PMID: 33572515, 21521896, 29589582, 17003641, 20416310, 25735457, 28544683, 29669919, 27311679). ClinVar contains an entry for this variant (Variation ID: 455769). Based on the evidence outlined above, the variant was classified as uncertain significance.

Mayo Clinic Laboratories, Mayo Clinic
Classification: Uncertain significance. Last evaluated: 2025-09-04. Review status: criteria provided, single submitter. Criteria: ACMG Guidelines, 2015. Collection method: clinical testing. Allele origin: germline. Observed: 2 variant alleles.
Comment: BP4

Labcorp Genetics (formerly Invitae), Labcorp
Classification: Uncertain significance for Cystic fibrosis. Last evaluated: 2024-12-12. Review status: criteria provided, single submitter. Criteria: Invitae Variant Classification Sherloc (09022015). Collection method: clinical testing. Allele origin: germline.
Comment: This sequence change replaces phenylalanine, which is neutral and non-polar, with leucine, which is neutral and non-polar, at codon 834 of the CFTR protein (p.Phe834Leu). This variant is present in population databases (rs200735475, gnomAD 0.1%). This missense change has been observed in individual(s) with chronic pancreatitis or cystic fibrosis (PMID: 17003641, 21521896). ClinVar contains an entry for this variant (Variation ID: 455769). Invitae Evidence Modeling of protein sequence and biophysical properties (such as structural, functional, and spatial information, amino acid conservation, physicochemical variation, residue mobility, and thermodynamic stability) indicates that this missense variant is not expected to disrupt CFTR protein function with a negative predictive value of 80%. In summary, the available evidence is currently insufficient to determine the role of this variant in disease. Therefore, it has been classified as a Variant of Uncertain Significance.

Blueprint Genetics
Classification: Uncertain significance. Last evaluated: 2024-11-19. Review status: criteria provided, single submitter. Criteria: ACMG Guidelines, 2015. Collection method: clinical testing. Allele origin: germline.

Quest Diagnostics Nichols Institute San Juan Capistrano
Classification: Uncertain significance. Last evaluated: 2024-08-13. Review status: criteria provided, single submitter. Criteria: Quest Diagnostics criteria. Collection method: clinical testing. Allele origin: unknown.
Comment: The CFTR c.2502T>G (p.Phe834Leu) variant has been reported in the published literature in individuals with cystic fibrosis (PMID: 33572515 (2021), 28544683 (2017)) and pancreatitis (PMID: 17003641 (2006)). The frequency of this variant in the general population, 0.0013 (32/25102 chromosomes (Genome Aggregation Database)), is uninformative in the assessment of its pathogenicity. Analysis of this variant using bioinformatics tools for the prediction of the effect of amino acid changes on protein structure and function yielded predictions that this variant is benign. Based on the available information, we are unable to determine the clinical significance of this variant.

Ambry Genetics
Classification: Uncertain significance for Cystic fibrosis. Last evaluated: 2024-07-17. Review status: criteria provided, single submitter. Criteria: Ambry Variant Classification Scheme 2023. Collection method: clinical testing. Allele origin: germline.
Comment: The p.F834L variant (also known as c.2502T>G and c.2634T>G), located in coding exon 15 of the CFTR gene, results from a T to G substitution at nucleotide position 2502. The phenylalanine at codon 834 is replaced by leucine, an amino acid with highly similar properties. This alteration has also been reported in a cystic fibrosis cohort (Soltysova A et al. Clin Respir J, 2018 Mar;12:1197-1206). This amino acid position is not well conserved in available vertebrate species. In addition, this alteration is predicted to be tolerated by in silico analysis. Based on the available evidence, the clinical significance of this variant remains unclear.

GeneDx
Classification: Uncertain significance. Last evaluated: 2023-03-27. Review status: criteria provided, single submitter. Criteria: GeneDx Variant Classification Process June 2021. Collection method: clinical testing. Allele origin: germline. Affected: yes.
Comment: Observed in multiple unrelated individuals with features of cystic fibrosis, pancreatitis, or a positive newborn screen, including some who harbored additional CFTR variants, but segregation information and additional clinical information was not included (Soltysova et al., 2018; Keiles et al., 2006; Bozdogan et al., 2021); In silico analysis supports that this missense variant does not alter protein structure/function; This variant is associated with the following publications: (PMID: 26229102, 25735457, 23248597, 29589582, 29669919, 33572515, 28340353, 20416310, 21521896, 34996830, 28544683, 27311679, GargPK2016[casereport], 17003641)

CeGaT Center for Human Genetics Tuebingen
Classification: Uncertain significance. Last evaluated: 2022-04-01. Review status: criteria provided, single submitter. Criteria: CeGaT Center For Human Genetics Tuebingen Variant Classification Criteria Version 2. Collection method: clinical testing. Allele origin: germline. Affected: yes. Observed: 1 variant allele.

Genome-Nilou Lab
Classification: Uncertain significance for Cystic fibrosis. Last evaluated: 2021-06-10. Review status: criteria provided, single submitter. Criteria: ACMG Guidelines, 2015. Collection method: clinical testing. Allele origin: germline. Affected: no.

ARUP Laboratories, Molecular Genetics and Genomics, ARUP Laboratories
Classification: Uncertain significance. Last evaluated: 2019-01-16. Review status: criteria provided, single submitter. Criteria: ARUP Molecular Germline Variant Investigation Process. Collection method: clinical testing. Allele origin: germline.
Comment: The CFTR c.2502T>G; p.Phe834Leu variant (rs200735475) is reported in the literature in the compound heterozygous state in two individuals affected with chronic pancreatitis, and in one individual with cystic fibrosis but no second variant or specific clinical phenotype described (Keiles 2006, Soltysova 2018). This variant is reported as uncertain significance by multiple laboratories in ClinVar (Variation ID: 455769), and is found in the Finnish European population with an allele frequency of 0.13% (32/25,102 alleles) in the Genome Aggregation Database. The phenylalanine at codon 834 is weakly conserved, and computational analyses (SIFT, PolyPhen-2) predict that this variant is tolerated. Due to limited information, the clinical significance of the p.Phe834Leu variant is uncertain at this time. References: Keiles S et al. Identification of CFTR, PRSS1, and SPINK1 mutations in 381 patients with pancreatitis. Pancreas. 2006 33(3):221-7. Soltysova A et al. Comprehensive genetic study of cystic fibrosis in Slovak patients in 25 years of genetic diagnostics. Clin Respir J. 2018 Mar;12(3):1197-1206.

PreventionGenetics, part of Exact Sciences
Classification: Uncertain significance for CFTR-related condition. Last evaluated: 2024-08-22. Review status: no assertion criteria provided. Collection method: clinical testing. Allele origin: germline. Not counted in ClinVar's aggregate classification.
Comment: The CFTR c.2502T>G variant is predicted to result in the amino acid substitution p.Phe834Leu. This variant has been reported in combination with another CFTR variant in patients with chronic pancreatitis or cystic fibrosis, although conclusive evidence of pathogenicity was not presented (Keiles et al. 2006. PubMed ID: 17003641; Godoy et al. 2011. PubMed ID: 21521896; Soltysova et al 2017. PubMed ID: 28544683; Bozdogan et al 2021. PubMed ID: 33572515). This variant has also been reported without information on a second potentially causative CFTR variant in two patients with chronic bronchitis or rhinitis (Table S1, Saferali et al. 2022. PubMed ID: 34996830; Godoy et al. 2011. PubMed ID: 21521896). This variant is reported in 0.13% of alleles in individuals of European (Finnish) descent in gnomAD. At this time, the clinical significance of this variant is uncertain due to the absence of conclusive functional and genetic evidence.

Natera, Inc.
Classification: Uncertain significance for CFTR-related disorders. Last evaluated: 2018-08-07. Review status: no assertion criteria provided. Collection method: clinical testing. Allele origin: germline. Not counted in ClinVar's aggregate classification.

Counsyl
Classification: Uncertain significance for Cystic fibrosis. Last evaluated: 2018-01-05. Review status: no assertion criteria provided. Collection method: clinical testing. Allele origin: unknown. Not counted in ClinVar's aggregate classification.

Diagnostic Laboratory, Department of Genetics, University Medical Center Groningen
Classification: Likely benign. Review status: no assertion criteria provided. Collection method: clinical testing. Allele origin: germline. Affected: yes. Study: VKGL Data-share Consensus. Not counted in ClinVar's aggregate classification.

Genome Diagnostics Laboratory, University Medical Center Utrecht
Classification: Likely benign. Review status: no assertion criteria provided. Collection method: clinical testing. Allele origin: germline. Affected: yes. Study: VKGL Data-share Consensus. Not counted in ClinVar's aggregate classification.

Literature cited by the submitters: PubMed 17003641 (cited by 5 submitters); PubMed 25735457 (cited by Women's Health and Genetics/Laboratory Corporation of America, LabCorp); PubMed 20416310 (cited by Women's Health and Genetics/Laboratory Corporation of America, LabCorp and Quest Diagnostics Nichols Institute San Juan Capistrano); PubMed 28544683 (cited by 5 submitters); PubMed 21521896 (cited by 3 submitters); PubMed 29669919 (cited by Women's Health and Genetics/Laboratory Corporation of America, LabCorp); PubMed 29589582 (cited by 3 submitters); PubMed 27311679 (cited by Women's Health and Genetics/Laboratory Corporation of America, LabCorp); PubMed 33572515 (cited by 3 submitters); PubMed 35430640 (cited by Mayo Clinic Laboratories, Mayo Clinic); PubMed 34996830 (cited by Quest Diagnostics Nichols Institute San Juan Capistrano); PubMed 23248597 (cited by Ambry Genetics); PubMed 26229102 (cited by Ambry Genetics); PubMed 28340353 (cited by Ambry Genetics).